The following is an entry in ClinVar:

NC_012920.1(MT-ND4):m.11807A>G

Gene: MT-ND4 (mitochondrially encoded NADH dehydrogenase 4; plus strand).
Variant type: single nucleotide variant.
Genome position: chrM-11807-A-G.
Identifiers: ClinVar variation 693381 (VCV000693381.1), dbSNP rs1603223419, ClinGen allele CA414811168.
Genomic context (GRCh38, chrMT:11,807, plus strand): 5'-GCAAACTCAAACTACGAACGCACTCACAGTCGCATCATAATCCTCTCTCAAGGACTTCAA[A>G]CTCTACTCCCACTAATAGCTTTTTGATGACTTCTAGCAAGCCTCGCTAACCTCGCCTTAC-3'

ClinVar aggregate classification (germline): Likely benign (1 of 4 stars; one submission).

Conditions:
Leigh syndrome (NULS). Also called: Leigh's necrotizing encephalopathy; Leigh's disease; Leigh Syndrome (mtDNA deletion); Leigh Disease; Subacute necrotizing encephalopathy; Necrotizing encephalopathy infantile subacute of Leigh. Identifiers: Orphanet 506, MedGen C2931891, MONDO:0009723, OMIM 256000.

Submission:

Wong Mito Lab, Molecular and Human Genetics, Baylor College of Medicine
Classification: Likely benign for Leigh syndrome. Last evaluated: 2019-10-17. Review status: criteria provided, single submitter. Criteria: Modified ACMG Guidelines (Unpublished). Collection method: clinical testing. Allele origin: germline.
Comment: The NC_012920.1:m.11807A>G (YP_003024035.1:p.Thr350Ala) variant in MTND4 gene is interpretated to be a Likely Benign variant based on the modified ACMG guidelines (unpublished). This variant meets the following evidence codes: BS1, BP4